The following is an entry in ClinVar:

NM_015164.4(PLEKHM2):c.3037G>A (p.Ala1013Thr)

Gene: PLEKHM2 (pleckstrin homology and RUN domain containing M2; plus strand). Cytogenetic location: 1p36.21.
Variant type: single nucleotide variant.
Coding change: c.3037G>A on transcript NM_015164.4 (MANE Select); coding-DNA position 3037, G replaced by A.
Protein change: p.Ala1013Thr; replaces alanine 1013 with threonine.
Molecular consequence: missense variant.
Genome position (GRCh38, 1-based): chr1:15,733,911, G>A. VCF-style: chr1-15733911-G-A. GRCh37 (hg19) VCF-style: chr1-16060406-G-A.
Other names: c.2977G>A, p.Ala993Thr (NM_001410755.1); short protein forms A993T, A1013T.
Identifiers: ClinVar variation 3703907 (VCV003703907.2).

ClinVar aggregate classification (germline): Uncertain significance (1 of 4 stars; one submission).

gnomAD v4.1: 6 of 1,612,676 alleles (0.00037%); highest among the groups gnomAD compares: Non-Finnish European, 0.00051%; no homozygotes.

Submission:

Labcorp Genetics (formerly Invitae), Labcorp
Classification: Uncertain significance. Last evaluated: 2024-06-04. Review status: criteria provided, single submitter. Criteria: Invitae Variant Classification Sherloc (09022015). Collection method: clinical testing. Allele origin: germline.
Comment: This sequence change replaces alanine, which is neutral and non-polar, with threonine, which is neutral and polar, at codon 1013 of the PLEKHM2 protein (p.Ala1013Thr). This variant is present in population databases (rs761568058, gnomAD 0.0009%). This variant has not been reported in the literature in individuals affected with PLEKHM2-related conditions. An algorithm developed to predict the effect of missense changes on protein structure and function (PolyPhen-2) suggests that this variant is likely to be disruptive. In summary, the available evidence is currently insufficient to determine the role of this variant in disease. Therefore, it has been classified as a Variant of Uncertain Significance.